The following is an entry in ClinVar:

NM_006158.5(NEFL):c.1571A>G (p.Glu524Gly)

Gene: NEFL (neurofilament light chain; minus strand). Cytogenetic location: 8p21.2.
Variant type: single nucleotide variant.
Coding change: c.1571A>G on transcript NM_006158.5 (MANE Select); coding-DNA position 1571, A replaced by G.
Protein change: p.Glu524Gly; replaces glutamic acid 524 with glycine.
Molecular consequence: missense variant.
Genome position (GRCh38, 1-based): chr8:24,952,871, T>C on the plus strand (A>G on the coding strand, the complement: NEFL is on the minus strand). VCF-style: chr8-24952871-T-C. GRCh37 (hg19) VCF-style: chr8-24810384-T-C.
Other names: short protein forms E524G.
Identifiers: ClinVar variation 1775511 (VCV001775511.2), dbSNP rs2486879965, ClinGen allele CA370619611.
Genomic context (GRCh38, chr8:24,952,871, plus strand): 5'-CAATCTTTCTTCTTAGCTGCTTGTTCCTCCCCAGCACCTTCAACTTTCTTCTCCTCCTCT[T>C]CAGCTTCTTTGGTTTCCTCTCCTTCTTCACCTTCACCTCCTTCTTCTTCTTCTTTTGCTT-3'
Protein context (NP_006149.2, residues 514-534): GEEGEETKEA[Glu524Gly]EEEKKVEGAG

ClinVar aggregate classification (germline): Uncertain significance (1 of 4 stars; one submission).

Conditions:
Inborn genetic diseases. Identifiers: MedGen C0950123, MeSH D030342.

Submission:

Ambry Genetics
Classification: Uncertain significance for Inborn genetic diseases. Last evaluated: 2020-06-01. Review status: criteria provided, single submitter. Criteria: Ambry Variant Classification Scheme 2023. Collection method: clinical testing. Allele origin: germline.
Comment: The p.E524G variant (also known as c.1571A>G), located in coding exon 4 of the NEFL gene, results from an A to G substitution at nucleotide position 1571. The glutamic acid at codon 524 is replaced by glycine, an amino acid with similar properties. This amino acid position is well conserved in available vertebrate species. In addition, the in silico prediction for this alteration is inconclusive. Since supporting evidence is limited at this time, the clinical significance of this alteration remains unclear.